The following is an entry in ClinVar:

ClinVar aggregate classification (germline): Likely pathogenic (1 of 4 stars; one submission).

Conditions:
Arthrogryposis multiplex congenita 6. Identifiers: MedGen C5543431, MONDO:0030281, OMIM 619334.
Nemaline myopathy 2 (NEM2). Also called: Nemaline myopathy 2, autosomal recessive. Identifiers: MedGen C1850569, MONDO:0009725, OMIM 256030.

Submission:

Juno Genomics, Hangzhou Juno Genomics, Inc
Classification: Likely pathogenic for Nemaline myopathy 2; Arthrogryposis multiplex congenita 6. Review status: criteria provided, single submitter. Criteria: ACMG Guidelines, 2015. Collection method: clinical testing. Allele origin: germline.
Comment: Null variant in a gene where loss of function (LOF) is a known mechanism of disease.;Absent from controls (or at extremely low frequency if recessive) in Genome Aggregation Database.

NM_001164508.2(NEB):c.19825C>T (p.Gln6609Ter)

Gene: NEB (nebulin; minus strand). Cytogenetic location: 2q23.3.
Variant type: single nucleotide variant.
Coding change: c.19825C>T on transcript NM_001164508.2 (MANE Select); coding-DNA position 19825, C replaced by T.
Protein change: p.Gln6609Ter; replaces glutamine 6609 with a stop codon.
Molecular consequence: nonsense.
Genome position (GRCh38, 1-based): chr2:151,552,683, G>A on the plus strand (C>T on the coding strand, the complement: NEB is on the minus strand). VCF-style: chr2-151552683-G-A. GRCh37 (hg19) VCF-style: chr2-152409197-G-A.
Other names: c.19825C>T, p.Gln6609Ter (NM_001164507.2, NM_001271208.2); c.14722C>T, p.Gln4908Ter (NM_004543.5); short protein forms Q6609*, Q4908*.
Identifiers: ClinVar variation 5006085 (VCV005006085.2).